The following is an entry in ClinVar:

ClinVar aggregate classification (germline): Uncertain significance (1 of 4 stars; one submission).

Submission:

CeGaT Center for Human Genetics Tuebingen
Classification: Uncertain significance. Last evaluated: 2025-01-01. Review status: criteria provided, single submitter. Criteria: CeGaT Center For Human Genetics Tuebingen Variant Classification Criteria Version 2. Collection method: clinical testing. Allele origin: germline. Affected: yes. Observed: 1 variant allele.
Comment: IGF1R: PM2, PP2

NM_000875.5(IGF1R):c.2656A>T (p.Arg886Trp)

Gene: IGF1R (insulin like growth factor 1 receptor; plus strand). Cytogenetic location: 15q26.3.
Variant type: single nucleotide variant.
Coding change: c.2656A>T on transcript NM_000875.5 (MANE Select); coding-DNA position 2656, A replaced by T.
Protein change: p.Arg886Trp; replaces arginine 886 with tryptophan.
Molecular consequence: missense variant.
Genome position (GRCh38, 1-based): chr15:98,924,558, A>T. VCF-style: chr15-98924558-A-T. GRCh37 (hg19) VCF-style: chr15-99467787-A-T.
Other names: c.2656A>T, p.Arg886Trp (NM_001291858.2); short protein forms R886W.
Identifiers: ClinVar variation 3772259 (VCV003772259.13).